The following is an entry in ClinVar:

ClinVar aggregate classification (germline): Uncertain significance (1 of 4 stars; one submission).

Conditions:
Hereditary cancer-predisposing syndrome. Also called: Hereditary Cancer Syndrome; Hereditary neoplastic syndrome; Neoplastic Syndromes, Hereditary; Tumor predisposition. Identifiers: Orphanet 140162, MedGen C0027672, MeSH D009386, MONDO:0015356.

gnomAD v4.1: 1 of 1,613,974 alleles (0.000062%); highest among the groups gnomAD compares: Non-Finnish European, 0.000085%; no homozygotes.

Submission:

Ambry Genetics
Classification: Uncertain significance for Hereditary cancer-predisposing syndrome. Last evaluated: 2025-07-21. Review status: criteria provided, single submitter. Criteria: Ambry Variant Classification Scheme 2023. Collection method: clinical testing. Allele origin: germline.
Comment: The p.S2616A variant (also known as c.7846T>G), located in coding exon 16 of the BRCA2 gene, results from a T to G substitution at nucleotide position 7846. The serine at codon 2616 is replaced by alanine, an amino acid with similar properties. Two saturation genome editing-based studies, including a haploid cell-survival assay and a humanized mouse embryonic stem cell line assay of drug response and survival, demonstrate that this nucleotide substitution may be functional; however, additional evidence is needed to confirm these findings (Huang H et al. Nature. 2025 Feb;638(8050):528-537; Sahu S et al. Nature. 2025 Feb;638(8050):538-545). This amino acid position is well conserved in available vertebrate species. In addition, the in silico prediction for this alteration is inconclusive. Based on the available evidence, the clinical significance of this variant remains unclear.

NM_000059.4(BRCA2):c.7846T>G (p.Ser2616Ala)

Gene: BRCA2 (BRCA2 DNA repair associated; plus strand). Cytogenetic location: 13q13.1.
Variant type: single nucleotide variant.
Coding change: c.7846T>G on transcript NM_000059.4 (MANE Select); coding-DNA position 7846, T replaced by G.
Protein change: p.Ser2616Ala; replaces serine 2616 with alanine.
Molecular consequence: missense variant. On other transcripts: non-coding transcript variant (1).
Genome position (GRCh38, 1-based): chr13:32,362,563, T>G. VCF-style: chr13-32362563-T-G. GRCh37 (hg19) VCF-style: chr13-32936700-T-G.
Other names: c.7750T>G, p.Ser2584Ala (NM_001406719.1); c.7846T>G, p.Ser2616Ala (NM_001406720.1, NM_001432077.1); c.2914T>G, p.Ser972Ala (NM_001406721.1); c.1429T>G, p.Ser477Ala (NM_001406722.1); short protein forms S2616A, S972A, S477A, S2584A.
Identifiers: ClinVar variation 4215851 (VCV004215851.1).